The following is an entry in ClinVar:

ClinVar aggregate classification (germline): Uncertain significance. Review status: criteria provided, multiple submitters, no conflicts (2 of 4 stars). 2 submissions from 2 submitters: Uncertain significance (2). Last evaluated 2022-11-01.

Conditions:
Hereditary sensory and autonomic neuropathy type 7. Also called: Neuropathy, hereditary sensory and autonomic, type VII; HSAN VII. Identifiers: Orphanet 391397, MedGen C3809882, MONDO:0014244, OMIM 615548.
Familial episodic pain syndrome with predominantly lower limb involvement. Also called: Episodic pain syndrome, familial, 3. Identifiers: Orphanet 391384, Orphanet 391392, MedGen C3809899, MONDO:0014247, OMIM 615552.

Submissions (2):

Labcorp Genetics (formerly Invitae), Labcorp
Classification: Uncertain significance for Familial episodic pain syndrome with predominantly lower limb involvement; Hereditary sensory and autonomic neuropathy type 7. Last evaluated: 2022-11-01. Review status: criteria provided, single submitter. Criteria: Invitae Variant Classification Sherloc (09022015). Collection method: clinical testing. Allele origin: germline.
Comment: In summary, the available evidence is currently insufficient to determine the role of this variant in disease. Therefore, it has been classified as a Variant of Uncertain Significance. Algorithms developed to predict the effect of missense changes on protein structure and function (SIFT, PolyPhen-2, Align-GVGD) all suggest that this variant is likely to be disruptive. ClinVar contains an entry for this variant (Variation ID: 587408). This variant has not been reported in the literature in individuals affected with SCN11A-related conditions. This variant is not present in population databases (gnomAD no frequency). This sequence change replaces glutamic acid, which is acidic and polar, with lysine, which is basic and polar, at codon 1613 of the SCN11A protein (p.Glu1613Lys).

Genomic Research Center, Shahid Beheshti University of Medical Sciences
Classification: Uncertain significance for Neuropathy, hereditary sensory and autonomic, type VII. Last evaluated: 2018-08-07. Review status: criteria provided, single submitter. Criteria: ACMG Guidelines, 2015. Collection method: clinical testing. Allele origin: unknown. Affected: yes. Observed: 1 variant allele.

NM_001349253.2(SCN11A):c.4837G>A (p.Glu1613Lys)

Gene: SCN11A (sodium voltage-gated channel alpha subunit 11; minus strand). Cytogenetic location: 3p22.2.
Variant type: single nucleotide variant.
Coding change: c.4837G>A on transcript NM_001349253.2 (MANE Select); coding-DNA position 4837, G replaced by A.
Protein change: p.Glu1613Lys; replaces glutamic acid 1613 with lysine.
Molecular consequence: missense variant.
Genome position (GRCh38, 1-based): chr3:38,847,233, C>T on the plus strand (G>A on the coding strand, the complement: SCN11A is on the minus strand). VCF-style: chr3-38847233-C-T. GRCh37 (hg19) VCF-style: chr3-38888724-C-T.
Other names: c.4837G>A, p.Glu1613Lys (NM_014139.3); short protein forms E1613K.
Identifiers: ClinVar variation 587408 (VCV000587408.8), dbSNP rs1559482661, ClinGen allele CA352162313.